The following is an entry in ClinVar:

NM_002691.4(POLD1):c.41C>A (p.Pro14His)

Gene: POLD1 (DNA polymerase delta 1, catalytic subunit; plus strand). Cytogenetic location: 19q13.33.
Variant type: single nucleotide variant.
Coding change: c.41C>A on transcript NM_002691.4 (MANE Select); coding-DNA position 41, C replaced by A.
Protein change: p.Pro14His; replaces proline 14 with histidine.
Molecular consequence: missense variant. On other transcripts: non-coding transcript variant (1).
Genome position (GRCh38, 1-based): chr19:50,398,892, C>A. VCF-style: chr19-50398892-C-A. GRCh37 (hg19) VCF-style: chr19-50902149-C-A.
Other names: c.41C>A, p.Pro14His (NM_001256849.1, NM_001308632.1); short protein forms P14H.
Identifiers: ClinVar variation 1362448 (VCV001362448.8), dbSNP rs2122194403, ClinGen allele CA406970027.

ClinVar aggregate classification (germline): Uncertain significance (1 of 4 stars; one submission).

Conditions:
POLD1-related polyposis and colorectal cancer syndrome (CRCS10). Also called: Colorectal cancer, susceptibility to, 10; Colorectal cancer 10; COLORECTAL CANCER, SUSCEPTIBILITY TO, ON CHROMOSOME 19q. Identifiers: Orphanet 220460, MedGen C2675481, MONDO:0012953, OMIM 612591.

Allele frequency attached by ClinVar (database versions not stated): gnomAD exomes below 0.00001.
gnomAD v4.1: 1 of 1,605,890 alleles (0.000062%); highest among the groups gnomAD compares: South Asian, 0.0011%; no homozygotes.

Submission:

Labcorp Genetics (formerly Invitae), Labcorp
Classification: Uncertain significance for POLD1-related polyposis and colorectal cancer syndrome. Last evaluated: 2020-11-15. Review status: criteria provided, single submitter. Criteria: Invitae Variant Classification Sherloc (09022015). Collection method: clinical testing. Allele origin: germline.
Comment: In summary, the available evidence is currently insufficient to determine the role of this variant in disease. Therefore, it has been classified as a Variant of Uncertain Significance. Algorithms developed to predict the effect of missense changes on protein structure and function are either unavailable or do not agree on the potential impact of this missense change (SIFT: "Deleterious"; PolyPhen-2: "Not Available"; Align-GVGD: "Class C0"). This variant has not been reported in the literature in individuals with POLD1-related conditions. This variant is not present in population databases (ExAC no frequency). This sequence change replaces proline with histidine at codon 14 of the POLD1 protein (p.Pro14His). The proline residue is weakly conserved and there is a moderate physicochemical difference between proline and histidine.